The following is an entry in ClinVar:

ClinVar aggregate classification (germline): Conflicting classifications of pathogenicity. Review status: criteria provided, conflicting classifications (1 of 4 stars). 2 submissions from 2 submitters: Uncertain significance (1); Likely benign (1). Last evaluated 2025-09-04.

Conditions:
Hereditary cancer-predisposing syndrome. Also called: Tumor predisposition; Neoplastic Syndromes, Hereditary; Hereditary Cancer Syndrome; Hereditary neoplastic syndrome. Identifiers: Orphanet 140162, MedGen C0027672, MeSH D009386, MONDO:0015356.

Submissions (2):

Ambry Genetics
Classification: Uncertain significance for Hereditary cancer-predisposing syndrome. Last evaluated: 2025-09-04. Review status: criteria provided, single submitter. Criteria: Ambry Variant Classification Scheme 2023. Collection method: clinical testing. Allele origin: germline.
Comment: The p.A1070V variant (also known as c.3209C>T), located in coding exon 10 of the BRCA2 gene, results from a C to T substitution at nucleotide position 3209. The alanine at codon 1070 is replaced by valine, an amino acid with similar properties. This amino acid position is poorly conserved in available vertebrate species. In addition, this alteration is predicted to be tolerated by in silico analysis. Since supporting evidence is limited at this time, the clinical significance of this alteration remains unclear.

University of Washington Department of Laboratory Medicine, University of Washington
Classification: Likely benign for Hereditary cancer-predisposing syndrome. Last evaluated: 2023-03-23. Review status: criteria provided, single submitter. Criteria: Dines et al. (Genet Med. 2020). Collection method: curation. Allele origin: germline.
Comment: Missense variant in a coldspot region where missense variants are very unlikely to be pathogenic (PMID:31911673).

BRCA2 exon 11 coldspot. Reclassification based on statistical prior probability.

NM_000059.4(BRCA2):c.3209C>T (p.Ala1070Val)

Gene: BRCA2 (BRCA2 DNA repair associated; plus strand). Cytogenetic location: 13q13.1.
Variant type: single nucleotide variant.
Coding change: c.3209C>T on transcript NM_000059.4 (MANE Select); coding-DNA position 3209, C replaced by T.
Protein change: p.Ala1070Val; replaces alanine 1070 with valine.
Molecular consequence: missense variant.
Genome position (GRCh38, 1-based): chr13:32,337,564, C>T. VCF-style: chr13-32337564-C-T. GRCh37 (hg19) VCF-style: chr13-32911701-C-T.
Other names: c.3209C>T, p.Ala1070Val (NM_001406719.1, NM_001406720.1); short protein forms A1070V.
Identifiers: ClinVar variation 1728891 (VCV001728891.5), dbSNP rs2137494341, ClinGen allele CA387775879.